The following is an entry in ClinVar:

ClinVar aggregate classification (germline): Pathogenic. Review status: criteria provided, multiple submitters, no conflicts (2 of 4 stars). 4 submissions from 4 submitters: Pathogenic (4). Last evaluated 2024-04-08.

Conditions:
Hereditary spastic paraplegia 7 (SPG7). Also called: SPG7-related neurologic disorder; SPASTIC PARAPLEGIA 7, AUTOSOMAL RECESSIVE, WITH OR WITHOUT CEREBELLAR ATAXIA; Spastic paraplegia 7; Hereditary spastic paraplegia Paraplegin type; Autosomal recessive spastic paraplegia type 7. Identifiers: Orphanet 99013, MedGen C1846564, MONDO:0011803, OMIM 607259.

Submissions (4):

Fulgent Genetics
Classification: Pathogenic for Hereditary spastic paraplegia 7. Last evaluated: 2024-04-08. Review status: criteria provided, single submitter. Criteria: ACMG Guidelines, 2015. Collection method: clinical testing. Allele origin: germline.

Labcorp Genetics (formerly Invitae), Labcorp
Classification: Pathogenic for Hereditary spastic paraplegia 7. Last evaluated: 2022-08-24. Review status: criteria provided, single submitter. Criteria: Invitae Variant Classification Sherloc (09022015). Collection method: clinical testing. Allele origin: germline.
Comment: ClinVar contains an entry for this variant (Variation ID: 646516). For these reasons, this variant has been classified as Pathogenic. This premature translational stop signal has been observed in individual(s) with hereditary spastic paraplegia and/or spastic ataxia (PMID: 21623769, 29482223). This sequence change creates a premature translational stop signal (p.Trp29*) in the SPG7 gene. It is expected to result in an absent or disrupted protein product. Loss-of-function variants in SPG7 are known to be pathogenic (PMID: 21623769, 22964162). This variant is not present in population databases (gnomAD no frequency).

PROSPAX: an integrated multimodal progression  chart in spastic ataxias, Center for Neurology; Hertie-Institute for Clinical Brain Research
Classification: Pathogenic for Hereditary spastic paraplegia 7. Last evaluated: 2022-01-01. Review status: criteria provided, single submitter. Criteria: ACMG Guidelines, 2015. Collection method: research. Allele origin: germline. Affected: yes.
Comment: Variant seen in compound het: [c.86G>A;c.1529C>T],[c.1529C>T;c.86G>A]

GeneDx
Classification: Pathogenic. Last evaluated: 2021-08-13. Review status: criteria provided, single submitter. Criteria: GeneDx Variant Classification Process June 2021. Collection method: clinical testing. Allele origin: germline. Affected: yes.
Comment: Nonsense variant predicted to result in protein truncation or nonsense mediated decay in a gene for which loss-of-function is a known mechanism of disease; This variant is associated with the following publications: (PMID: 21623769, 29482223)

Literature cited by the submitters: PubMed 21623769 (cited by Labcorp Genetics (formerly Invitae), Labcorp); PubMed 29482223 (cited by Labcorp Genetics (formerly Invitae), Labcorp); PubMed 22964162 (cited by Labcorp Genetics (formerly Invitae), Labcorp).

NM_003119.4(SPG7):c.86G>A (p.Trp29Ter)

Genes: SPG7 (SPG7 matrix AAA peptidase subunit, paraplegin; plus strand), LOC130059818 (ATAC-STARR-seq lymphoblastoid silent region 7911; plus strand). Cytogenetic location: 16q24.3.
Variant type: single nucleotide variant.
Coding change: c.86G>A on transcript NM_003119.4 (MANE Select); coding-DNA position 86, G replaced by A.
Protein change: p.Trp29Ter; replaces tryptophan 29 with a stop codon.
Molecular consequence: nonsense.
Genome position (GRCh38, 1-based): chr16:89,508,503, G>A. VCF-style: chr16-89508503-G-A. GRCh37 (hg19) VCF-style: chr16-89574911-G-A.
Other names: c.86G>A, p.Trp29Ter (NM_001363850.1, NM_199367.3); short protein forms W29*.
Identifiers: ClinVar variation 646516 (VCV000646516.13), dbSNP rs1314660313, ClinGen allele CA397415957.